The following is an entry in ClinVar:

ClinVar aggregate classification (germline): Conflicting classifications of pathogenicity. Review status: criteria provided, conflicting classifications (1 of 4 stars). 4 submissions from 4 submitters: Pathogenic (1); Likely pathogenic (2); Uncertain significance (1). Last evaluated 2026-01-07.

Conditions:
POLE-related disorder. Also called: POLE-related disorders; POLE-related condition.
Hereditary cancer-predisposing syndrome. Also called: Neoplastic Syndromes, Hereditary; Hereditary neoplastic syndrome; Hereditary Cancer Syndrome; Tumor predisposition. Identifiers: Orphanet 140162, MedGen C0027672, MeSH D009386, MONDO:0015356.

Submissions (4):

Ambry Genetics
Classification: Uncertain significance for Hereditary cancer-predisposing syndrome. Last evaluated: 2026-01-07. Review status: criteria provided, single submitter. Criteria: Ambry Variant Classification Scheme 2023. Collection method: clinical testing. Allele origin: germline.
Comment: The c.2091delC variant, located in coding exon 19 of the POLE gene, results from a deletion of one nucleotide at nucleotide position 2091, causing a translational frameshift with a predicted alternate stop codon (p.L698Cfs*94). This alteration is expected to result in loss of function by premature protein truncation or nonsense-mediated mRNA decay. Although biallelic loss of function of POLE has been associated with autosomal recessive POLE deficiency, haploinsufficiency of POLE has not been established as a mechanism of disease for POLE-related polymerase proofreading-associated polyposis (PPAP) and POLE-related CMMRD-like syndrome. Based on the supporting evidence, this variant is expected to be causative of POLE deficiency when present along with a second pathogenic variant on the other allele; however, its clinical significance for PPAP and POLE-related CMMRD-like syndrome is unclear.

Labcorp Genetics (formerly Invitae), Labcorp
Classification: Pathogenic. Last evaluated: 2025-12-09. Review status: criteria provided, single submitter. Criteria: Invitae Variant Classification Sherloc (09022015). Collection method: clinical testing. Allele origin: germline.
Comment: This sequence change creates a premature translational stop signal (p.Leu698Cysfs*94) in the POLE gene. It is expected to result in an absent or disrupted protein product. Loss-of-function variants in POLE are known to be pathogenic (PMID: 23230001, 25948378, 30503519). The frequency data for this variant in the population databases is considered unreliable, as metrics indicate poor data quality at this position in the gnomAD database. This variant has not been reported in the literature in individuals affected with POLE-related conditions. ClinVar contains an entry for this variant (Variation ID: 240424). For these reasons, this variant has been classified as Pathogenic.

PreventionGenetics, part of Exact Sciences
Classification: Likely pathogenic for POLE-related condition. Last evaluated: 2025-04-24. Review status: criteria provided, single submitter. Criteria: ACMG Guidelines, 2015. Collection method: clinical testing. Allele origin: germline.
Comment: The POLE c.2091delC variant is predicted to result in a frameshift and premature protein termination (p.Leu698Cysfs*94). This variant has been reported in a patient with osteosarcoma (Mirabello et al. 2020. PubMed ID: 32191290). This variant is reported in 0.016% of alleles in individuals of African descent in gnomAD and has conflicting interpretations in ClinVar ranging from uncertain to pathogenic. Pathogenic variants in POLE leading to loss of POLE protein function have been reported in individuals with autosomal recessive intrauterine growth retardation, metaphyseal dysplasia, adrenal hypoplasia congenita, genital anomalies, and immunodeficiency (IMAGe-I) syndrome (Pachlopnik Schmid et al. 2012. PubMed ID: 23230001; Thiffault et al. 2015. PubMed ID: 25948378; Long et al. 2018. PubMed ID: 30503519; Nakano et al. 2022. PubMed ID: 35534205). This variant is interpreted as likely pathogenic for autosomal recessive IMAGe-I syndrome but should be considered a variant of uncertain significance for POLE-associated autosomal dominant cancer susceptibility.

GeneDx
Classification: Likely pathogenic. Last evaluated: 2024-09-16. Review status: criteria provided, single submitter. Criteria: GeneDx Variant Classification Process June 2021. Collection method: clinical testing. Allele origin: germline. Affected: yes.
Comment: Frameshift variant predicted to result in protein truncation or nonsense mediated decay in a gene for which loss of function is a known mechanism of disease; Not observed at significant frequency in large population cohorts (gnomAD); This variant is associated with the following publications: (PMID: 24755471, 25801821, 32191290, 35534704)

Literature cited by the submitters: PubMed 23230001 (cited by Labcorp Genetics (formerly Invitae), Labcorp); PubMed 25948378 (cited by Labcorp Genetics (formerly Invitae), Labcorp); PubMed 30503519 (cited by Labcorp Genetics (formerly Invitae), Labcorp).

NM_006231.4(POLE):c.2091del (p.Leu698fs)

Gene: POLE (DNA polymerase epsilon, catalytic subunit; minus strand). Cytogenetic location: 12q24.33.
Variant type: Deletion.
Coding change: c.2091del on transcript NM_006231.4 (MANE Select); coding-DNA position 2091, one base deleted (C; older notation c.2091delC).
Protein change: p.Leu698fs; shifts the reading frame from leucine 698.
Molecular consequence: frameshift variant.
Genome position (GRCh38, 1-based): chr12:132,668,438, G deleted on the plus strand (C on the coding strand, the reverse complement: POLE is on the minus strand); the first of 7 consecutive G bases (chr12:132,668,438-132,668,444); deleting any one gives the same sequence. VCF-style (leftmost placement, unchanged base first): chr12-132668437-AG-A. GRCh37 (hg19) VCF-style: chr12-133245023-AG-A.
Other names: c.2091del (NM_006231.2); c.2091delC (NM_006231.3); short protein forms L698fs.
Identifiers: ClinVar variation 240424 (VCV000240424.20), dbSNP rs752846614, ClinGen allele CA6893682.